The following is an entry in ClinVar:

ClinVar aggregate classification (germline): Uncertain significance (1 of 4 stars; one submission).

Conditions:
Familial temporal lobe epilepsy 7. Identifiers: Orphanet 101046, MedGen C4225327, MONDO:0014639, OMIM 616436.
Norman-Roberts syndrome (LIS2). Also called: Lissencephaly 2 (Norman-Roberts type). Identifiers: Orphanet 89844, MedGen C0796089, MONDO:0009760, OMIM 257320.

Submission:

Labcorp Genetics (formerly Invitae), Labcorp
Classification: Uncertain significance for Familial temporal lobe epilepsy 7; Norman-Roberts syndrome. Last evaluated: 2024-10-29. Review status: criteria provided, single submitter. Criteria: Invitae Variant Classification Sherloc (09022015). Collection method: clinical testing. Allele origin: germline.
Comment: This sequence change replaces alanine, which is neutral and non-polar, with aspartic acid, which is acidic and polar, at codon 174 of the RELN protein (p.Ala174Asp). This variant is not present in population databases (gnomAD no frequency). This variant has not been reported in the literature in individuals affected with RELN-related conditions. ClinVar contains an entry for this variant (Variation ID: 960168). Invitae Evidence Modeling of protein sequence and biophysical properties (such as structural, functional, and spatial information, amino acid conservation, physicochemical variation, residue mobility, and thermodynamic stability) indicates that this missense variant is not expected to disrupt RELN protein function with a negative predictive value of 80%. In summary, the available evidence is currently insufficient to determine the role of this variant in disease. Therefore, it has been classified as a Variant of Uncertain Significance.

NM_005045.4(RELN):c.521C>A (p.Ala174Asp)

Gene: RELN (reelin; minus strand). Cytogenetic location: 7q22.1.
Variant type: single nucleotide variant.
Coding change: c.521C>A on transcript NM_005045.4 (MANE Select); coding-DNA position 521, C replaced by A.
Protein change: p.Ala174Asp; replaces alanine 174 with aspartic acid.
Molecular consequence: missense variant.
Genome position (GRCh38, 1-based): chr7:103,776,580, G>T on the plus strand (C>A on the coding strand, the complement: RELN is on the minus strand). VCF-style: chr7-103776580-G-T. GRCh37 (hg19) VCF-style: chr7-103417027-G-T.
Other names: c.521C>A, p.Ala174Asp (NM_173054.3); short protein forms A174D.
Identifiers: ClinVar variation 960168 (VCV000960168.9), dbSNP rs1791748632, ClinGen allele CA368930524.